The following is an entry in ClinVar:

NM_002911.4(UPF1):c.3135G>A (p.Ala1045=)

Gene: UPF1 (UPF1 RNA helicase and ATPase; plus strand). Cytogenetic location: 19p13.11.
Variant type: single nucleotide variant.
Coding change: c.3135G>A on transcript NM_002911.4 (MANE Select); coding-DNA position 3135, G replaced by A.
Protein change: p.Ala1045=; no amino-acid change (alanine 1045 retained).
Molecular consequence: synonymous variant.
Genome position (GRCh38, 1-based): chr19:18,865,676, G>A. VCF-style: chr19-18865676-G-A. GRCh37 (hg19) VCF-style: chr19-18976485-G-A.
Other names: c.3168G>A, p.Ala1056= (NM_001297549.2).
Identifiers: ClinVar variation 2649600 (VCV002649600.24), dbSNP rs199878035, ClinGen allele CA9317805.

ClinVar aggregate classification (germline): Likely benign (1 of 4 stars; one submission).

Allele frequency attached by ClinVar (database versions not stated): gnomAD 0.00027; ESP Exome Variant Server 0.00031; ExAC 0.00036; TOPMed 0.00042.
gnomAD v4.1: 921 of 1,613,774 alleles (0.057%); highest among the groups gnomAD compares: Non-Finnish European, 0.067%; no homozygotes.

Submission:

CeGaT Center for Human Genetics Tuebingen
Classification: Likely benign. Last evaluated: 2022-07-01. Review status: criteria provided, single submitter. Criteria: CeGaT Center For Human Genetics Tuebingen Variant Classification Criteria Version 2. Collection method: clinical testing. Allele origin: germline. Affected: yes. Observed: 1 variant allele.
Comment: UPF1: BP4, BP7